The following is an entry in ClinVar:

ClinVar aggregate classification (germline): Uncertain significance (1 of 4 stars; one submission).

Conditions:
Autosomal recessive limb-girdle muscular dystrophy. Identifiers: Orphanet 102015, MedGen C2931907, MONDO:0015152.

gnomAD v4.1: 3 of 1,606,358 alleles (0.00019%); highest among the groups gnomAD compares: Middle Eastern, 0.017%; no homozygotes.

Submission:

Myriad Genetics, Inc.
Classification: Uncertain significance for Autosomal recessive limb-girdle muscular dystrophy. Last evaluated: 2025-10-14. Review status: criteria provided, single submitter. Criteria: Myriad Autosomal Dominant, Autosomal Recessive and X-Linked Classification Criteria (2023). Collection method: clinical testing. Allele origin: unknown.
Comment: NM_003494.3(DYSF):c.1738A>G(I580V) is a missense variant classified as a variant of uncertain significance in the context of dysferlinopathy. I580V has been observed in a case with relevant disease (PMID: 39678382). Relevant functional assessments of this variant are not available in the literature. I580V has not been observed in referenced population frequency databases. In summary, there is insufficient evidence to classify NM_003494.3(DYSF):c.1738A>G(I580V) as pathogenic or benign. Please note: this variant was assessed in the context of healthy population screening.

Literature cited by the submitters: PubMed 39678382.

NM_001130987.2(DYSF):c.1792A>G (p.Ile598Val)

Gene: DYSF (dysferlin; plus strand). Cytogenetic location: 2p13.2.
Variant type: single nucleotide variant.
Coding change: c.1792A>G on transcript NM_001130987.2 (MANE Select); coding-DNA position 1792, A replaced by G.
Protein change: p.Ile598Val; replaces isoleucine 598 with valine.
Molecular consequence: missense variant.
Genome position (GRCh38, 1-based): chr2:71,551,706, A>G. VCF-style: chr2-71551706-A-G. GRCh37 (hg19) VCF-style: chr2-71778836-A-G.
Other names: c.1741A>G, p.Ile581Val (NM_001130455.2, NM_001130983.2); c.1696A>G, p.Ile566Val (NM_001130976.2, NM_001130977.2); c.1738A>G, p.Ile580Val (NM_001130978.2, NM_003494.4); c.1831A>G, p.Ile611Val (NM_001130979.2); c.1789A>G, p.Ile597Val (NM_001130980.2, NM_001130981.2); c.1834A>G, p.Ile612Val (NM_001130982.2); c.1699A>G, p.Ile567Val (NM_001130984.2, NM_001130986.2); c.1792A>G, p.Ile598Val (NM_001130985.2); short protein forms I566V, I567V, I597V, I611V, I580V, I581V, I598V, I612V.
Identifiers: ClinVar variation 5003443 (VCV005003443.1).